The following is an entry in ClinVar:

NM_201384.3(PLEC):c.771G>A (p.Ser257=)

Gene: PLEC (plectin; minus strand). Cytogenetic location: 8q24.3.
Variant type: single nucleotide variant.
Coding change: c.771G>A on transcript NM_201384.3 (MANE Select); coding-DNA position 771, G replaced by A.
Protein change: p.Ser257=; no amino-acid change (serine 257 retained).
Molecular consequence: synonymous variant.
Genome position (GRCh38, 1-based): chr8:143,935,065, C>T on the plus strand (G>A on the coding strand, the complement: PLEC is on the minus strand). VCF-style: chr8-143935065-C-T. GRCh37 (hg19) VCF-style: chr8-145009233-C-T.
Other names: c.852G>A, p.Ser284= (NM_000445.5, NM_001410941.1); c.729G>A, p.Ser243= (NM_201378.4); c.705G>A, p.Ser235= (NM_201379.3); c.1182G>A, p.Ser394= (NM_201380.4); c.675G>A, p.Ser225= (NM_201381.3); c.771G>A, p.Ser257= (NM_201382.4); c.783G>A, p.Ser261= (NM_201383.3); c.852G>A (NM_000445.4).
Identifiers: ClinVar variation 2925076 (VCV002925076.6), dbSNP rs1318143649, ClinGen allele CA463536712.

ClinVar aggregate classification (germline): Likely benign. Review status: criteria provided, multiple submitters, no conflicts (2 of 4 stars). 3 submissions from 3 submitters: Likely benign (2). 1 of the submissions does not count toward it. Last evaluated 2024-02-15.

Conditions:
PLEC-related disorder. Also called: PLEC-related disorders; PLEC-related condition.
Autosomal recessive limb-girdle muscular dystrophy type 2Q (LGMDR17). Also called: MUSCULAR DYSTROPHY, LIMB-GIRDLE, AUTOSOMAL RECESSIVE 17. Identifiers: Orphanet 254361, MedGen C3150989, MONDO:0013390, OMIM 613723.
Epidermolysis bullosa simplex with nail dystrophy (EBS5D). Identifiers: MedGen C4225309, MONDO:0014661, OMIM 616487.
Epidermolysis bullosa simplex 5B, with muscular dystrophy (EBS5B). Also called: EPIDERMOLYSIS BULLOSA SIMPLEX AND LIMB-GIRDLE MUSCULAR DYSTROPHY; Epidermolysis bullosa simplex with muscular dystrophy. Identifiers: Orphanet 257, MedGen C2931072, MONDO:0009181, OMIM 226670.
Epidermolysis bullosa simplex, Ogna type (EBS5A). Also called: Pidermolysis bullosa simplex 5A, Ogna type; EPIDERMOLYSIS BULLOSA SIMPLEX 5A, OGNA TYPE. Identifiers: Orphanet 79401, MedGen C0432317, MONDO:0007555, OMIM 131950.
Epidermolysis bullosa simplex 5C, with pyloric atresia (EBS5C). Also called: PLEC-Related Epidermolysis Bullosa with Pyloric Atresia; Epidermolysis bullosa simplex with pyloric atresia; PLEC1-Related Epidermolysis Bullosa with Pyloric Atresia. Identifiers: Orphanet 158684, MedGen C2677349, MONDO:0012807, OMIM 612138.

Allele frequency attached by ClinVar (database versions not stated): gnomAD exomes below 0.00001; gnomAD 0.00001; TOPMed 0.00001.
gnomAD v4.1: 5 of 1,612,736 alleles (0.00031%); highest among the groups gnomAD compares: Non-Finnish European, 0.00025%; no homozygotes.

Submissions (3):

Blueprint Genetics
Classification: Likely benign. Last evaluated: 2024-02-15. Review status: criteria provided, single submitter. Criteria: ACMG Guidelines, 2015. Collection method: clinical testing. Allele origin: germline.

Labcorp Genetics (formerly Invitae), Labcorp
Classification: Likely benign for Autosomal recessive limb-girdle muscular dystrophy type 2Q; Epidermolysis bullosa simplex, Ogna type; Epidermolysis bullosa simplex with nail dystrophy; Epidermolysis bullosa simplex 5C, with pyloric atresia; Epidermolysis bullosa simplex 5B, with muscular dystrophy. Last evaluated: 2023-06-20. Review status: criteria provided, single submitter. Criteria: Invitae Variant Classification Sherloc (09022015). Collection method: clinical testing. Allele origin: germline.

PreventionGenetics, part of Exact Sciences
Classification: Likely benign for PLEC-related condition. Last evaluated: 2022-06-08. Review status: no assertion criteria provided. Collection method: clinical testing. Allele origin: germline. Not counted in ClinVar's aggregate classification.
Comment: This variant is classified as likely benign based on ACMG/AMP sequence variant interpretation guidelines (Richards et al. 2015 PMID: 25741868, with internal and published modifications).